The following is an entry in ClinVar:

NM_000492.4(CFTR):c.53G>T (p.Ser18Ile)

Gene: CFTR (CF transmembrane conductance regulator; plus strand). Cytogenetic location: 7q31.2.
Variant type: single nucleotide variant.
Coding change: c.53G>T on transcript NM_000492.4 (MANE Select); coding-DNA position 53, G replaced by T.
Protein change: p.Ser18Ile; replaces serine 18 with isoleucine.
Molecular consequence: missense variant.
Genome position (GRCh38, 1-based): chr7:117,480,147, G>T. VCF-style: chr7-117480147-G-T. GRCh37 (hg19) VCF-style: chr7-117120201-G-T.
Other names: short protein forms S18I.
Identifiers: ClinVar variation 1747304 (VCV001747304.2), dbSNP rs1584764661, ClinGen allele CA368981413.

ClinVar aggregate classification (germline): Uncertain significance (1 of 4 stars; one submission).

Conditions:
Cystic fibrosis (CF). Also called: MUCOVISCIDOSIS. Identifiers: Orphanet 586, MedGen C0010674, MONDO:0009061, OMIM 219700. Disease mechanism: loss of function.

Submission:

Ambry Genetics
Classification: Uncertain significance for Cystic fibrosis. Last evaluated: 2022-05-02. Review status: criteria provided, single submitter. Criteria: Ambry Variant Classification Scheme 2023. Collection method: clinical testing. Allele origin: germline.
Comment: The p.S18I variant (also known as c.53G>T), located in coding exon 1 of the CFTR gene, results from a G to T substitution at nucleotide position 53. The serine at codon 18 is replaced by isoleucine, an amino acid with dissimilar properties. However, this change occurs in the last base pair of coding exon 1, which makes it likely to have some effect on normal mRNA splicing. This nucleotide position is highly conserved in available vertebrate species. This amino acid position is highly conserved in available vertebrate species. In silico splice site analysis predicts that this alteration will weaken the native splice donor site. In addition, as a missense substitution this is predicted to be inconclusive by in silico analysis. Since supporting evidence is limited at this time, the clinical significance of this alteration remains unclear.